The following is an entry in ClinVar:

NM_005751.5(AKAP9):c.9468T>G (p.Ser3156=)

Gene: AKAP9 (A-kinase anchoring protein 9; plus strand). Cytogenetic location: 7q21.2.
Variant type: single nucleotide variant.
Coding change: c.9468T>G on transcript NM_005751.5 (MANE Select); coding-DNA position 9468, T replaced by G.
Protein change: p.Ser3156=; no amino-acid change (serine 3156 retained).
Molecular consequence: synonymous variant.
Genome position (GRCh38, 1-based): chr7:92,093,206, T>G. VCF-style: chr7-92093206-T-G. GRCh37 (hg19) VCF-style: chr7-91722520-T-G.
Other names: c.4113T>G, p.Ser1371= (NM_001379277.1); c.9444T>G, p.Ser3148= (NM_147185.3).
Identifiers: ClinVar variation 1116084 (VCV001116084.11), dbSNP rs759583976, ClinGen allele CA4337770.

ClinVar aggregate classification (germline): Conflicting classifications of pathogenicity. Review status: criteria provided, conflicting classifications (1 of 4 stars). 2 submissions from 2 submitters: Uncertain significance (1); Likely benign (1). Last evaluated 2022-06-06.

Conditions:
Long QT syndrome (LQTS). Identifiers: MedGen C0023976, MeSH D008133, MONDO:0002442. Disease mechanism: loss of function. Inheritance: Various modes of inheritance.
Cardiovascular phenotype. Identifiers: MedGen CN230736.

Allele frequency attached by ClinVar (database versions not stated): TOPMed below 0.00001; ExAC 0.00001; gnomAD 0.00001; gnomAD exomes 0.00001.
gnomAD v4.1: 23 of 1,613,948 alleles (0.0014%); highest among the groups gnomAD compares: Non-Finnish European, 0.0018%; no homozygotes.

Submissions (2):

Ambry Genetics
Classification: Uncertain significance for Cardiovascular phenotype. Last evaluated: 2022-06-06. Review status: criteria provided, single submitter. Criteria: Ambry Variant Classification Scheme 2023. Collection method: clinical testing. Allele origin: germline.
Comment: The c.9468T>G variant (also known as p.S3156S), located in coding exon 39 of the AKAP9 gene, results from a T to G substitution at nucleotide position 9468. This nucleotide substitution does not change the serine at codon 3156. This nucleotide position is not well conserved in available vertebrate species. In silico splice site analysis for this alteration is inconclusive. The evidence for this gene-disease relationship is limited; therefore, the clinical significance of this alteration is unclear.

Labcorp Genetics (formerly Invitae), Labcorp
Classification: Likely benign for Long QT syndrome. Last evaluated: 2019-12-13. Review status: criteria provided, single submitter. Criteria: Invitae Variant Classification Sherloc (09022015). Collection method: clinical testing. Allele origin: germline.